The following is an entry in ClinVar:

NM_005591.4(MRE11):c.970G>A (p.Asp324Asn)

Gene: MRE11 (MRE11 double strand break repair nuclease; minus strand). Cytogenetic location: 11q21.
Variant type: single nucleotide variant.
Coding change: c.970G>A on transcript NM_005591.4 (MANE Select); coding-DNA position 970, G replaced by A.
Protein change: p.Asp324Asn; replaces aspartic acid 324 with asparagine.
Molecular consequence: missense variant.
Genome position (GRCh38, 1-based): chr11:94,470,518, C>T on the plus strand (G>A on the coding strand, the complement: MRE11 is on the minus strand). VCF-style: chr11-94470518-C-T. GRCh37 (hg19) VCF-style: chr11-94203684-C-T.
Other names: c.970G>A, p.Asp324Asn (NM_001330347.2, NM_005590.4); short protein forms D324N.
Identifiers: ClinVar variation 3874347 (VCV003874347.1).

ClinVar aggregate classification (germline): Uncertain significance (1 of 4 stars; one submission).

Conditions:
Hereditary cancer-predisposing syndrome. Also called: Tumor predisposition; Neoplastic Syndromes, Hereditary; Hereditary Cancer Syndrome; Hereditary neoplastic syndrome. Identifiers: Orphanet 140162, MedGen C0027672, MeSH D009386, MONDO:0015356.

Submission:

Ambry Genetics
Classification: Uncertain significance for Hereditary cancer-predisposing syndrome. Last evaluated: 2025-03-07. Review status: criteria provided, single submitter. Criteria: Ambry Variant Classification Scheme 2023. Collection method: clinical testing. Allele origin: germline.
Comment: The p.D324N variant (also known as c.970G>A), located in coding exon 8 of the MRE11A gene, results from a G to A substitution at nucleotide position 970. The aspartic acid at codon 324 is replaced by asparagine, an amino acid with highly similar properties. This amino acid position is conserved. In addition, this alteration is predicted to be tolerated by in silico analysis. Based on the available evidence, the clinical significance of this variant remains unclear.